The following is an entry in ClinVar:

ClinVar aggregate classification (germline): Pathogenic (1 of 4 stars; one submission).

Submission:

Labcorp Genetics (formerly Invitae), Labcorp
Classification: Pathogenic. Last evaluated: 2021-10-22. Review status: criteria provided, single submitter. Criteria: Invitae Variant Classification Sherloc (09022015). Collection method: clinical testing. Allele origin: germline.
Comment: For these reasons, this variant has been classified as Pathogenic. This variant has not been reported in the literature in individuals affected with PODXL-related conditions. Information on the frequency of this variant in the gnomAD database is not available, as this variant may be reported differently in the database. This sequence change creates a premature translational stop signal (p.Gln265*) in the PODXL gene. It is expected to result in an absent or disrupted protein product. Loss-of-function variants in PODXL are known to be pathogenic (PMID: 30523047).

Literature cited by the submitters: PubMed 30523047.

NM_001018111.3(PODXL):c.888_889delinsTT (p.Gln297Ter)

Gene: PODXL (podocalyxin like; minus strand). Cytogenetic location: 7q32.3.
Variant type: Indel.
Coding change: c.888_889delinsTT on transcript NM_001018111.3 (MANE Select); coding-DNA positions 888 to 889, GC replaced by TT.
Protein change: p.Gln297Ter; replaces glutamine 297 with a stop codon.
Molecular consequence: nonsense.
Genome position (GRCh38, 1-based): chr7:131,509,499-131,509,500, GC replaced by AA on the plus strand (GC replaced by TT on the coding strand, the reverse complement: PODXL is on the minus strand). VCF-style: chr7-131509499-GC-AA. GRCh37 (hg19) VCF-style: chr7-131194258-GC-AA.
Other names: c.792_793delinsTT, p.Gln265Ter (NM_005397.4); short protein forms Q265*, Q297*.
Identifiers: ClinVar variation 1404663 (VCV001404663.6), dbSNP rs2116787553, ClinGen allele CA2573141741.
Genomic context (GRCh38, chr7:131,509,499, plus strand): 5'-TGGAGCTCATGGTCTCTGGCAGGGTAGGTGTTCTCAATGCCGTTGCCGGGCTCGTGGGCT[GC>AA]ACTGTCTCCTGGGAGGAAGGGGCCGTAGAGCTGGCTGGCATCTGACTGGAGGTCTGTTGA-3'